The following is an entry in ClinVar:

ClinVar aggregate classification (germline): Uncertain significance. Review status: criteria provided, multiple submitters, no conflicts (2 of 4 stars). 6 submissions from 6 submitters: Uncertain significance (4). 2 of the submissions do not count toward it. Last evaluated 2026-04-08.

Conditions:
Hereditary cancer-predisposing syndrome. Also called: Hereditary Cancer Syndrome; Neoplastic Syndromes, Hereditary; Tumor predisposition; Hereditary neoplastic syndrome. Identifiers: Orphanet 140162, MedGen C0027672, MeSH D009386, MONDO:0015356.
Ataxia-telangiectasia syndrome (AT). Also called: LOUIS-BAR SYNDROME; Ataxia-telangiectasia, complementation group D; Cerebello-oculocutaneous telangiectasia; Immunodeficiency with ataxia telangiectasia; AT, COMPLEMENTATION GROUP C; ATAXIA-TELANGIECTASIA, COMPLEMENTATION GROUP A. Identifiers: Orphanet 100, MedGen C0004135, MONDO:0008840, OMIM 208900.

Allele frequency attached by ClinVar (database versions not stated): gnomAD exomes below 0.00001.
gnomAD v4.1: 2 of 1,609,118 alleles (0.00012%); highest among the groups gnomAD compares: Admixed American, 0.0017%; no homozygotes.

Submissions (6):

Ambry Genetics
Classification: Uncertain significance for Hereditary cancer-predisposing syndrome. Last evaluated: 2026-04-08. Review status: criteria provided, single submitter. Criteria: Ambry Variant Classification Scheme 2023. Collection method: clinical testing. Allele origin: germline.
Comment: The p.K750E variant (also known as c.2248A>G), located in coding exon 13 of the ATM gene, results from an A to G substitution at nucleotide position 2248. The lysine at codon 750 is replaced by glutamic acid, an amino acid with similar properties. In an assay testing ATM function, this variant showed a functionally normal result (Lee KS et al. Cell, 2025 Sep;188:5081-5099.e27). This amino acid position is highly conserved in available vertebrate species. In addition, the in silico prediction for this alteration is inconclusive. Based on the available evidence, the clinical significance of this variant remains unclear.

Center for Genomic Medicine, Rigshospitalet, Copenhagen University Hospital
Classification: Uncertain significance. Last evaluated: 2025-12-29. Review status: criteria provided, single submitter. Criteria: ACMG Guidelines, 2015. Collection method: clinical testing. Allele origin: germline.

Color Diagnostics, LLC DBA Color Health
Classification: Uncertain significance for Hereditary cancer-predisposing syndrome. Last evaluated: 2024-07-15. Review status: criteria provided, single submitter. Criteria: ACMG Guidelines, 2015. Collection method: clinical testing. Allele origin: germline.
Comment: This missense variant replaces lysine with glutamic acid at codon 750 of the ATM protein. Computational prediction tool suggests that this variant may not impact protein structure and function. To our knowledge, functional studies have not been performed for this variant. This variant has not been reported in individuals affected with hereditary cancer in the literature. This variant has not been identified in the general population by the Genome Aggregation Database (gnomAD). The available evidence is insufficient to determine the role of this variant in disease conclusively. Therefore, this variant is classified as a Variant of Uncertain Significance.

Labcorp Genetics (formerly Invitae), Labcorp
Classification: Uncertain significance for Ataxia-telangiectasia syndrome. Last evaluated: 2024-04-22. Review status: criteria provided, single submitter. Criteria: Invitae Variant Classification Sherloc (09022015). Collection method: clinical testing. Allele origin: germline.
Comment: This sequence change replaces lysine, which is basic and polar, with glutamic acid, which is acidic and polar, at codon 750 of the ATM protein (p.Lys750Glu). This variant is not present in population databases (gnomAD no frequency). This variant has not been reported in the literature in individuals affected with ATM-related conditions. ClinVar contains an entry for this variant (Variation ID: 919060). An algorithm developed to predict the effect of missense changes on protein structure and function (PolyPhen-2) suggests that this variant is likely to be disruptive. In summary, the available evidence is currently insufficient to determine the role of this variant in disease. Therefore, it has been classified as a Variant of Uncertain Significance.

Clinical Genetics DNA and cytogenetics Diagnostics Lab, Erasmus MC, Erasmus Medical Center
Classification: Uncertain significance. Review status: no assertion criteria provided. Collection method: clinical testing. Allele origin: germline. Affected: yes. Study: VKGL Data-share Consensus. Not counted in ClinVar's aggregate classification.

Diagnostic Laboratory, Department of Genetics, University Medical Center Groningen
Classification: Uncertain significance. Review status: no assertion criteria provided. Collection method: clinical testing. Allele origin: germline. Affected: yes. Study: VKGL Data-share Consensus. Not counted in ClinVar's aggregate classification.

Literature cited by the submitters: PubMed 40580951 (cited by Ambry Genetics).

NM_000051.4(ATM):c.2248A>G (p.Lys750Glu)

Gene: ATM (ATM serine/threonine kinase; plus strand). Cytogenetic location: 11q22.3.
Variant type: single nucleotide variant.
Coding change: c.2248A>G on transcript NM_000051.4 (MANE Select); coding-DNA position 2248, A replaced by G.
Protein change: p.Lys750Glu; replaces lysine 750 with glutamic acid.
Molecular consequence: missense variant.
Genome position (GRCh38, 1-based): chr11:108,256,338, A>G. VCF-style: chr11-108256338-A-G. GRCh37 (hg19) VCF-style: chr11-108127065-A-G.
Other names: c.2248A>G, p.Lys750Glu (NM_001351834.2); short protein forms K750E.
Identifiers: ClinVar variation 919060 (VCV000919060.19), dbSNP rs2080484145, ClinGen allele CA382539297.